The following is an entry in ClinVar:

ClinVar aggregate classification (germline): Benign/Likely benign. Review status: criteria provided, multiple submitters, no conflicts (2 of 4 stars). 20 submissions from 19 submitters: Benign (7); Likely benign (9). 4 of the submissions do not count toward it. Last evaluated 2026-01-27.

Conditions:
Acute lymphoid leukemia (ALL). Also called: Leukemia, acute lymphoblastic, somatic; Acute lymphoblastic leukemia; Acute lymphocytic leukemia; Lymphoblastic leukemia. Identifiers: Orphanet 513, MedGen C0023449, MONDO:0004967, OMIM 613065, HP:0006721.
Aplastic anemia. Identifiers: Orphanet 182040, Orphanet 88, MedGen C0002874, MONDO:0015909, OMIM 609135, HP:0001915.
Microcephaly, normal intelligence and immunodeficiency (NBS). Also called: Immunodeficiency, microcephaly with normal intelligence; Ataxia telangiectasia variant V1; IMMUNODEFICIENCY, MICROCEPHALY, AND CHROMOSOMAL INSTABILITY; SEEMANOVA SYNDROME II; Nijmegen breakage syndrome; Microcephaly with normal intelligence immunodeficiency and lymphoreticular malignancies. Identifiers: Orphanet 647, MedGen C0398791, MONDO:0009623, OMIM 251260.
Hereditary cancer-predisposing syndrome. Also called: Tumor predisposition; Hereditary neoplastic syndrome; Neoplastic Syndromes, Hereditary; Hereditary Cancer Syndrome. Identifiers: Orphanet 140162, MedGen C0027672, MeSH D009386, MONDO:0015356.
Hereditary breast ovarian cancer syndrome. Also called: Hereditary breast and ovarian cancer syndrome (HBOC); Hereditary breast and ovarian cancer; Hereditary breast and ovarian cancer syndrome; Breast and ovarian cancer; Hereditary breast and/or ovarian cancer syndrome; BRCA1- and BRCA2-Associated Hereditary Breast and Ovarian Cancer. Identifiers: Orphanet 145, MedGen C0677776, MeSH D061325, MONDO:0003582. Disease mechanism: loss of function.

Allele frequency attached by ClinVar (database versions not stated): gnomAD exomes 0.00025 and 0.00072; ExAC 0.00092; 1000 Genomes Project 30x 0.00234; 1000 Genomes Project 0.00260; gnomAD 0.00263 and 0.00276; ESP Exome Variant Server 0.00277; TOPMed 0.00295.
gnomAD v4.1: 802 of 1,613,904 alleles (0.05%); highest among the groups gnomAD compares: African/African-American, 0.9%; 5 homozygotes.

Submissions (20):

Labcorp Genetics (formerly Invitae), Labcorp
Classification: Benign for Microcephaly, normal intelligence and immunodeficiency. Last evaluated: 2026-01-27. Review status: criteria provided, single submitter. Criteria: Invitae Variant Classification Sherloc (09022015). Collection method: clinical testing. Allele origin: germline.

Dasa
Classification: Likely benign. Last evaluated: 2025-12-16. Review status: criteria provided, single submitter. Criteria: DASA Assertion Criteria. Collection method: clinical testing. Allele origin: germline.
Comment: NM_002485.5(NBN):c.1222A>G (p.Lys408Glu) is a missense variant that results in the substitution of lysine with glutamic acid. Population frequency is inconsistent with a disease-causing role for this variant, and observations in unaffected individuals support a benign interpretation. Computational prediction algorithms are consistent with a benign effect. Therefore, based on the currently available evidence, this variant is classified as likely benign.

CeGaT Center for Human Genetics Tuebingen
Classification: Likely benign. Last evaluated: 2025-04-01. Review status: criteria provided, single submitter. Criteria: CeGaT Center For Human Genetics Tuebingen Variant Classification Criteria Version 2. Collection method: clinical testing. Allele origin: germline. Affected: yes. Observed: 3 variant alleles.
Comment: NBN: BP4, BS1

KCCC/NGS Laboratory, Kuwait Cancer Control Center
Classification: Benign for Microcephaly, normal intelligence and immunodeficiency. Last evaluated: 2025-02-01. Review status: criteria provided, single submitter. Criteria: ACMG Guidelines, 2015. Collection method: clinical testing. Allele origin: germline. Affected: no.

Blueprint Genetics
Classification: Likely benign. Last evaluated: 2024-11-21. Review status: criteria provided, single submitter. Criteria: ACMG Guidelines, 2015. Collection method: clinical testing. Allele origin: germline.

ARUP Laboratories, Molecular Genetics and Genomics, ARUP Laboratories
Classification: Likely benign. Last evaluated: 2023-12-01. Review status: criteria provided, single submitter. Criteria: ARUP Molecular Germline Variant Investigation Process 2024. Collection method: clinical testing. Allele origin: germline.

Quest Diagnostics Nichols Institute San Juan Capistrano
Classification: Benign. Last evaluated: 2023-08-15. Review status: criteria provided, single submitter. Criteria: Quest Diagnostics criteria. Collection method: clinical testing. Allele origin: unknown.

KCCC/NGS Laboratory, Kuwait Cancer Control Center
Classification: Benign for Acute lymphoid leukemia. Last evaluated: 2023-07-07. Review status: criteria provided, single submitter. Criteria: ACMG Guidelines, 2015. Collection method: clinical testing. Allele origin: germline. Affected: yes.

National Health Laboratory Service, Universitas Academic Hospital and University of the Free State
Classification: Likely benign for Hereditary breast ovarian cancer syndrome. Last evaluated: 2022-04-19. Review status: criteria provided, single submitter. Criteria: ACMG Guidelines, 2015. Collection method: clinical testing. Allele origin: germline. Affected: yes. Observed: 20 variant alleles.

Fulgent Genetics
Classification: Likely benign for Microcephaly, normal intelligence and immunodeficiency; Aplastic anemia; Acute lymphoid leukemia. Last evaluated: 2021-11-21. Review status: criteria provided, single submitter. Criteria: ACMG Guidelines, 2015. Collection method: clinical testing. Allele origin: unknown.

Women's Health and Genetics/Laboratory Corporation of America, LabCorp
Classification: Benign. Last evaluated: 2021-05-24. Review status: criteria provided, single submitter. Criteria: LabCorp Variant Classification Summary - May 2015. Collection method: clinical testing. Allele origin: germline.
Comment: Variant summary: NBN c.1222A>G (p.Lys408Glu) results in a conservative amino acid change in the encoded protein sequence. Five of five in-silico tools predict a benign effect of the variant on protein function. The variant allele was found at a frequency of 0.0007 in 258508 control chromosomes, predominantly at a frequency of 0.0095 within the African or African-American subpopulation in the gnomAD database. The observed variant frequency within African or African-American control individuals in the gnomAD database is approximately 3.8 fold of the estimated maximal expected allele frequency for a pathogenic variant in NBN causing Nijmegen Breakage Syndrome phenotype (0.0025), strongly suggesting that the variant is a benign polymorphism found primarily in populations of African or African-American origin. c.1222A>G has been reported in the literature in individuals affected with larynx cancer, breast cancer, ovarian cancer, and colorectal cancer, without strong evidence for causality (examples- Ziolkowska_2007, Ramus_2015, Tung_2015, Caminsky_2016, Pearlman_2016, Young_2016, Cock-Rada_2017, Yurgelun_2017, Bishop_2019). These report(s) do not provide unequivocal conclusions about association of the variant with Nijmegen Breakage Syndrome. At-least one co-occurrence with another pathogenic variant has been reported (BRCA2 c.9253dupA, p.Thr3085Asnfs*26, Tung_2015), providing supporting evidence for a benign role. To our knowledge, no experimental evidence demonstrating an impact on protein function has been reported. Seven clinical diagnostic laboratories have submitted clinical-significance assessments for this variant to ClinVar after 2014 without evidence for independent evaluation. All laboratories classified the variant as benign (n=2)/likely benign (n=5). Based on the evidence outlined above, the variant was classified as benign.

GeneDx
Classification: Likely benign. Last evaluated: 2020-10-08. Review status: criteria provided, single submitter. Criteria: GeneDx Variant Classification Process June 2021. Collection method: clinical testing. Allele origin: germline. Affected: yes.
Comment: This variant is associated with the following publications: (PMID: 21346221, 17894553, 26315354, 27978560, 26787654, 28528518, 26898890, 23830515, 28135145, 25117502, 31278556)

Sema4
Classification: Benign for Hereditary cancer-predisposing syndrome. Last evaluated: 2020-09-29. Review status: criteria provided, single submitter. Criteria: Sema4 Curation Guidelines. Collection method: curation. Allele origin: germline.

Ambry Genetics
Classification: Likely benign for Hereditary cancer-predisposing syndrome. Last evaluated: 2018-09-25. Review status: criteria provided, single submitter. Criteria: Ambry Variant Classification Scheme 2023. Collection method: clinical testing. Allele origin: germline.

Genetic Services Laboratory, University of Chicago
Classification: Benign. Last evaluated: 2018-07-30. Review status: criteria provided, single submitter. Criteria: ACMG Guidelines, 2015. Collection method: clinical testing. Allele origin: germline. Affected: no.

Eurofins Ntd Llc (ga)
Classification: Likely benign. Last evaluated: 2018-03-13. Review status: criteria provided, single submitter. Criteria: EGL ClinVar v180209 classification definitions. Collection method: clinical testing. Allele origin: germline. Observed: 1 variant allele, 1 heterozygote.

Natera, Inc.
Classification: Likely benign for Nijmegen breakage syndrome. Last evaluated: 2019-11-09. Review status: no assertion criteria provided. Collection method: clinical testing. Allele origin: germline. Not counted in ClinVar's aggregate classification.

Counsyl
Classification: Likely benign for Microcephaly, normal intelligence and immunodeficiency. Last evaluated: 2018-04-19. Review status: no assertion criteria provided. Collection method: clinical testing. Allele origin: unknown. Not counted in ClinVar's aggregate classification.

Clinical Genetics DNA and cytogenetics Diagnostics Lab, Erasmus MC, Erasmus Medical Center
Classification: Benign. Review status: no assertion criteria provided. Collection method: clinical testing. Allele origin: germline. Affected: yes. Study: VKGL Data-share Consensus. Not counted in ClinVar's aggregate classification.

Genome Diagnostics Laboratory, Amsterdam University Medical Center
Classification: Likely benign. Review status: no assertion criteria provided. Collection method: clinical testing. Allele origin: germline. Affected: yes. Study: VKGL Data-share Consensus. Not counted in ClinVar's aggregate classification.

Literature cited by the submitters: PubMed 31415627 (cited by Quest Diagnostics Nichols Institute San Juan Capistrano and Women's Health and Genetics/Laboratory Corporation of America, LabCorp); PubMed 33471991 (cited by Quest Diagnostics Nichols Institute San Juan Capistrano); PubMed 17894553 (cited by Quest Diagnostics Nichols Institute San Juan Capistrano and Women's Health and Genetics/Laboratory Corporation of America, LabCorp); PubMed 28135145 (cited by Quest Diagnostics Nichols Institute San Juan Capistrano and Women's Health and Genetics/Laboratory Corporation of America, LabCorp); PubMed 26315354 (cited by Quest Diagnostics Nichols Institute San Juan Capistrano and Women's Health and Genetics/Laboratory Corporation of America, LabCorp); PubMed 26787654 (cited by Quest Diagnostics Nichols Institute San Juan Capistrano and Women's Health and Genetics/Laboratory Corporation of America, LabCorp); PubMed 28528518 (cited by Quest Diagnostics Nichols Institute San Juan Capistrano and Women's Health and Genetics/Laboratory Corporation of America, LabCorp); PubMed 27978560 (cited by Quest Diagnostics Nichols Institute San Juan Capistrano and Women's Health and Genetics/Laboratory Corporation of America, LabCorp); PubMed 25117502 (cited by Women's Health and Genetics/Laboratory Corporation of America, LabCorp); PubMed 25186627 (cited by Women's Health and Genetics/Laboratory Corporation of America, LabCorp); PubMed 26898890 (cited by Women's Health and Genetics/Laboratory Corporation of America, LabCorp).

NM_002485.5(NBN):c.1222A>G (p.Lys408Glu)

Gene: NBN (nibrin; minus strand). Cytogenetic location: 8q21.3.
Variant type: single nucleotide variant.
Coding change: c.1222A>G on transcript NM_002485.5 (MANE Select); coding-DNA position 1222, A replaced by G.
Protein change: p.Lys408Glu; replaces lysine 408 with glutamic acid.
Molecular consequence: missense variant.
Genome position (GRCh38, 1-based): chr8:89,955,458, T>C on the plus strand (A>G on the coding strand, the complement: NBN is on the minus strand). VCF-style: chr8-89955458-T-C. GRCh37 (hg19) VCF-style: chr8-90967686-T-C.
Other names: p.K408E:AAA>GAA; NP_002476.2:p.Lys408Glu; c.976A>G, p.Lys326Glu (NM_001024688.3); short protein forms K408E, K326E.
Identifiers: ClinVar variation 127856 (VCV000127856.65), dbSNP rs34120922, ClinGen allele CA151515.
Genomic context (GRCh38, chr8:89,955,458, plus strand): 5'-TTGGGATTCTCATCTTAGCCAAAGTATTTGATACCATACTATTATTATTAGAGCTTGTTT[T>C]GCAGGACTCCTTTACAGTGGGTGCATCTTGTGAAAGCATTCTGAATTTTTGTTCCATTTT-3'
Protein context (NP_002476.2, residues 398-418): QDAPTVKESC[Lys408Glu]TSSNNNSMVS